The following is an entry in ClinVar:

ClinVar aggregate classification (germline): Uncertain significance (1 of 4 stars; one submission).

Conditions:
Alpha thalassemia-X-linked intellectual disability syndrome (ATRX). Also called: ALPHA-THALASSEMIA/MENTAL RETARDATION SYNDROME, X-LINKED; ATR, NONDELETION TYPE; ATR-X syndrome; Alpha thalassemia mental retardation syndrome, nondeletion type, X-linked; XLMR hypotonic face syndrome; X-linked alpha-thalassemia-mental retardation syndrome. Identifiers: Orphanet 847, MedGen C1845055, MONDO:0010519, OMIM 301040.

gnomAD v4.1: 25 of 1,191,221 alleles (0.0021%); highest among the groups gnomAD compares: Non-Finnish European, 0.0028%; no homozygotes.

Submission:

Labcorp Genetics (formerly Invitae), Labcorp
Classification: Uncertain significance for Alpha thalassemia-X-linked intellectual disability syndrome. Last evaluated: 2025-04-14. Review status: criteria provided, single submitter. Criteria: Invitae Variant Classification Sherloc (09022015). Collection method: clinical testing. Allele origin: germline.
Comment: This sequence change replaces alanine, which is neutral and non-polar, with aspartic acid, which is acidic and polar, at codon 3 of the ATRX protein (p.Ala3Asp). This variant is not present in population databases (gnomAD no frequency). This variant has not been reported in the literature in individuals affected with ATRX-related conditions. Invitae Evidence Modeling of protein sequence and biophysical properties (such as structural, functional, and spatial information, amino acid conservation, physicochemical variation, residue mobility, and thermodynamic stability) indicates that this missense variant is not expected to disrupt ATRX protein function with a negative predictive value of 95%. In summary, the available evidence is currently insufficient to determine the role of this variant in disease. Therefore, it has been classified as a Variant of Uncertain Significance.

NM_000489.6(ATRX):c.8C>A (p.Ala3Asp)

Genes: ATRX (ATRX chromatin remodeler; minus strand), LOC130068458 (ATAC-STARR-seq lymphoblastoid active region 29779; plus strand). Cytogenetic location: Xq21.1.
Variant type: single nucleotide variant.
Coding change: c.8C>A on transcript NM_000489.6 (MANE Select); coding-DNA position 8, C replaced by A.
Protein change: p.Ala3Asp; replaces alanine 3 with aspartic acid.
Molecular consequence: missense variant.
Genome position (GRCh38, 1-based): chrX:77,785,994, G>T on the plus strand (C>A on the coding strand, the complement: ATRX is on the minus strand). VCF-style: chrX-77785994-G-T. GRCh37 (hg19) VCF-style: chrX-77041480-G-T.
Other names: c.8C>A, p.Ala3Asp (NM_138270.5); short protein forms A3D.
Identifiers: ClinVar variation 4705939 (VCV004705939.1).